The following is an entry in ClinVar:

ClinVar aggregate classification (germline): Conflicting classifications of pathogenicity. Review status: criteria provided, conflicting classifications (1 of 4 stars). 7 submissions from 7 submitters: Uncertain significance (1); Benign (3). 3 of the submissions do not count toward it. Last evaluated 2026-01-24.

Conditions:
Retinal dystrophy. Also called: Inherited retinal dystrophy. Identifiers: Orphanet 71862, MedGen C0854723, MeSH D058499, MONDO:0019118, HP:0000556.
Retinitis pigmentosa (RP). Identifiers: Orphanet 791, MedGen C0035334, MeSH D012174, MONDO:0019200, OMIM 268000. Inheritance: Autosomal dominant, autosomal recessive and X linked inheritance.
Retinitis pigmentosa 43 (RP43). Identifiers: Orphanet 791, MedGen C3151139, MONDO:0013437, OMIM 613810.

Allele frequency attached by ClinVar (database versions not stated): gnomAD 0.00092 and 0.00143; TOPMed 0.00106; ESP Exome Variant Server 0.00123; gnomAD exomes 0.00206 and 0.00272; 1000 Genomes Project 30x 0.00281; ExAC 0.00293; 1000 Genomes Project 0.00319.
gnomAD v4.1: 3,246 of 1,613,926 alleles (0.2%); highest among the groups gnomAD compares: South Asian, 1.5%; 26 homozygotes.

Submissions (7):

Labcorp Genetics (formerly Invitae), Labcorp
Classification: Benign. Last evaluated: 2026-01-24. Review status: criteria provided, single submitter. Criteria: Invitae Variant Classification Sherloc (09022015). Collection method: clinical testing. Allele origin: germline.

CeGaT Center for Human Genetics Tuebingen
Classification: Benign. Last evaluated: 2025-09-01. Review status: criteria provided, single submitter. Criteria: CeGaT Center For Human Genetics Tuebingen Variant Classification Criteria Version 2. Collection method: clinical testing. Allele origin: germline. Affected: yes. Observed: 1 variant allele.
Comment: PDE6A: BS1, BS2

ARUP Laboratories, Molecular Genetics and Genomics, ARUP Laboratories
Classification: Benign for Retinitis pigmentosa 43. Last evaluated: 2020-01-20. Review status: criteria provided, single submitter. Criteria: ARUP Molecular Germline Variant Investigation Process. Collection method: clinical testing. Allele origin: germline.

Illumina Laboratory Services, Illumina
Classification: Uncertain significance for Retinitis pigmentosa. Last evaluated: 2018-01-12. Review status: criteria provided, single submitter. Criteria: ICSL Variant Classification Criteria 13 December 2019. Collection method: clinical testing. Allele origin: germline.

Institute of Human Genetics, Univ. Regensburg, Univ. Regensburg
Classification: Likely benign for Retinal dystrophy. Last evaluated: 2015-01-01. Review status: no assertion criteria provided. Criteria: ACMG Guidelines, 2015. Collection method: clinical testing. Allele origin: germline. Affected: yes. Not counted in ClinVar's aggregate classification.

Clinical Genetics DNA and cytogenetics Diagnostics Lab, Erasmus MC, Erasmus Medical Center
Classification: Benign. Review status: no assertion criteria provided. Collection method: clinical testing. Allele origin: germline. Affected: yes. Study: VKGL Data-share Consensus. Not counted in ClinVar's aggregate classification.

Clinical Genetics, Academic Medical Center
Classification: Benign. Review status: no assertion criteria provided. Collection method: clinical testing. Allele origin: germline. Affected: yes. Study: VKGL Data-share Consensus. Not counted in ClinVar's aggregate classification.

NM_000440.3(PDE6A):c.498G>A (p.Val166=)

Gene: PDE6A (phosphodiesterase 6A; minus strand). Cytogenetic location: 5q32.
Variant type: single nucleotide variant.
Coding change: c.498G>A on transcript NM_000440.3 (MANE Select); coding-DNA position 498, G replaced by A.
Protein change: p.Val166=; no amino-acid change (valine 166 retained).
Molecular consequence: synonymous variant.
Genome position (GRCh38, 1-based): chr5:149,934,695, C>T on the plus strand (G>A on the coding strand, the complement: PDE6A is on the minus strand). VCF-style: chr5-149934695-C-T. GRCh37 (hg19) VCF-style: chr5-149314258-C-T.
Identifiers: ClinVar variation 351999 (VCV000351999.33), dbSNP rs138274547, ClinGen allele CA3505029.